The following is an entry in ClinVar:

ClinVar aggregate classification (germline): Uncertain significance. Review status: criteria provided, multiple submitters, no conflicts (2 of 4 stars). 2 submissions from 2 submitters: Uncertain significance (2). Last evaluated 2025-07-21.

Conditions:
Inborn genetic diseases. Identifiers: MedGen C0950123, MeSH D030342.

Allele frequency attached by ClinVar (database versions not stated): gnomAD exomes below 0.00001.
gnomAD v4.1: 1 of 1,614,038 alleles (0.000062%); highest among the groups gnomAD compares: Non-Finnish European, 0.000085%; no homozygotes.

Submissions (2):

Labcorp Genetics (formerly Invitae), Labcorp
Classification: Uncertain significance. Last evaluated: 2025-07-21. Review status: criteria provided, single submitter. Criteria: Invitae Variant Classification Sherloc (09022015). Collection method: clinical testing. Allele origin: germline.
Comment: This sequence change replaces phenylalanine, which is neutral and non-polar, with leucine, which is neutral and non-polar, at codon 1868 of the ATR protein (p.Phe1868Leu). This variant is not present in population databases (gnomAD no frequency). This variant has not been reported in the literature in individuals affected with ATR-related conditions. ClinVar contains an entry for this variant (Variation ID: 1748587). An algorithm developed to predict the effect of missense changes on protein structure and function outputs the following: PolyPhen-2: "Benign". The leucine amino acid residue is found in multiple mammalian species, which suggests that this missense change does not adversely affect protein function. In summary, the available evidence is currently insufficient to determine the role of this variant in disease. Therefore, it has been classified as a Variant of Uncertain Significance.

Ambry Genetics
Classification: Uncertain significance for Inborn genetic diseases. Last evaluated: 2022-02-08. Review status: criteria provided, single submitter. Criteria: Ambry Variant Classification Scheme 2023. Collection method: clinical testing. Allele origin: germline.
Comment: The p.F1868L variant (also known as c.5604C>A), located in coding exon 33 of the ATR gene, results from a C to A substitution at nucleotide position 5604. The phenylalanine at codon 1868 is replaced by leucine, an amino acid with highly similar properties. This amino acid position is conserved. In addition, this alteration is predicted to be tolerated by in silico analysis. Since supporting evidence is limited at this time, the clinical significance of this alteration remains unclear.

NM_001184.4(ATR):c.5604C>A (p.Phe1868Leu)

Gene: ATR (ATR checkpoint kinase; minus strand). Cytogenetic location: 3q23.
Variant type: single nucleotide variant.
Coding change: c.5604C>A on transcript NM_001184.4 (MANE Select); coding-DNA position 5604, C replaced by A.
Protein change: p.Phe1868Leu; replaces phenylalanine 1868 with leucine.
Molecular consequence: missense variant.
Genome position (GRCh38, 1-based): chr3:142,497,147, G>T on the plus strand (C>A on the coding strand, the complement: ATR is on the minus strand). VCF-style: chr3-142497147-G-T. GRCh37 (hg19) VCF-style: chr3-142215989-G-T.
Other names: c.5412C>A, p.Phe1804Leu (NM_001354579.2); short protein forms F1804L, F1868L.
Identifiers: ClinVar variation 1748587 (VCV001748587.7), dbSNP rs2108336622, ClinGen allele CA354814914.